The following is an entry in ClinVar:

NM_001161403.3(LIMS2):c.454C>T (p.Leu152Phe)

Gene: LIMS2 (LIM zinc finger domain containing 2; minus strand). Cytogenetic location: 2q14.3.
Variant type: single nucleotide variant.
Coding change: c.454C>T on transcript NM_001161403.3 (MANE Select); coding-DNA position 454, C replaced by T.
Protein change: p.Leu152Phe; replaces leucine 152 with phenylalanine.
Molecular consequence: missense variant. On other transcripts: 5 prime UTR variant (1).
Genome position (GRCh38, 1-based): chr2:127,642,978, G>A on the plus strand (C>T on the coding strand, the complement: LIMS2 is on the minus strand). VCF-style: chr2-127642978-G-A. GRCh37 (hg19) VCF-style: chr2-128400553-G-A.
Other names: c.520C>T, p.Leu174Phe (NM_001136037.4); c.439C>T, p.Leu147Phe (NM_001161404.2); c.-3C>T (NM_001256542.2); c.526C>T, p.Leu176Phe (NM_017980.5); short protein forms L147F, L152F, L174F, L176F.
Identifiers: ClinVar variation 1053867 (VCV001053867.7), dbSNP rs1573757070, ClinGen allele CA348425887.

ClinVar aggregate classification (germline): Uncertain significance (1 of 4 stars; one submission).

Conditions:
Autosomal recessive limb-girdle muscular dystrophy type 2W (MDRCMTT). Also called: Muscular dystrophy, limb-girdle, type 2W; Muscular dystrophy, autosomal recessive, with cardiomyopathy and triangular tongue. Identifiers: MedGen C4225192, MONDO:0014788, OMIM 616827.

Allele frequency attached by ClinVar (database versions not stated): gnomAD exomes below 0.00001.
gnomAD v4.1: 1 of 1,573,116 alleles (0.000064%); highest among the groups gnomAD compares: Non-Finnish European, 0.000086%; no homozygotes.

Submission:

Labcorp Genetics (formerly Invitae), Labcorp
Classification: Uncertain significance for Autosomal recessive limb-girdle muscular dystrophy type 2W. Last evaluated: 2022-08-16. Review status: criteria provided, single submitter. Criteria: Invitae Variant Classification Sherloc (09022015). Collection method: clinical testing. Allele origin: germline.
Comment: In summary, the available evidence is currently insufficient to determine the role of this variant in disease. Therefore, it has been classified as a Variant of Uncertain Significance. Algorithms developed to predict the effect of missense changes on protein structure and function are either unavailable or do not agree on the potential impact of this missense change (SIFT: "Deleterious"; PolyPhen-2: "Possibly Damaging"; Align-GVGD: "Class C15"). ClinVar contains an entry for this variant (Variation ID: 1053867). This variant has not been reported in the literature in individuals affected with LIMS2-related conditions. This variant is not present in population databases (gnomAD no frequency). This sequence change replaces leucine, which is neutral and non-polar, with phenylalanine, which is neutral and non-polar, at codon 174 of the LIMS2 protein (p.Leu174Phe).